The following is an entry in ClinVar:

NM_203446.3(SYNJ1):c.3475G>A (p.Glu1159Lys)

Gene: SYNJ1 (synaptojanin 1; minus strand). Cytogenetic location: 21q22.11.
Variant type: single nucleotide variant.
Coding change: c.3475G>A on transcript NM_203446.3 (MANE Select); coding-DNA position 3475, G replaced by A.
Protein change: p.Glu1159Lys; replaces glutamic acid 1159 with lysine.
Molecular consequence: missense variant. On other transcripts: intron variant (2).
Genome position (GRCh38, 1-based): chr21:32,643,413, C>T on the plus strand (G>A on the coding strand, the complement: SYNJ1 is on the minus strand). VCF-style: chr21-32643413-C-T. GRCh37 (hg19) VCF-style: chr21-34015723-C-T.
Other names: c.3592G>A, p.Glu1198Lys (NM_003895.4); c.3431-1280G>A (NM_001160302.2); c.3377-1447G>A (NM_001160306.2); short protein forms E1198K, E1159K.
Identifiers: ClinVar variation 1044826 (VCV001044826.8), dbSNP rs561276644, ClinGen allele CA10003396.

ClinVar aggregate classification (germline): Uncertain significance (1 of 4 stars; one submission).

Conditions:
Developmental and epileptic encephalopathy, 53. Also called: Epileptic encephalopathy, early infantile, 53. Identifiers: MedGen C4479313, MONDO:0033362, OMIM 617389.
Early-onset Parkinson disease 20. Also called: PARKINSON DISEASE 20, AUTOSOMAL RECESSIVE EARLY-ONSET. Identifiers: Orphanet 391411, MedGen C3809824, MONDO:0014233, OMIM 615530.

Allele frequency attached by ClinVar (database versions not stated): TOPMed below 0.00001; gnomAD 0.00001; gnomAD exomes 0.00001 and 0.00004; ExAC 0.00002.
gnomAD v4.1: 57 of 1,613,476 alleles (0.0035%); highest among the groups gnomAD compares: Non-Finnish European, 0.0046%; no homozygotes.

Submission:

Labcorp Genetics (formerly Invitae), Labcorp
Classification: Uncertain significance for Developmental and epileptic encephalopathy, 53; Early-onset Parkinson disease 20. Last evaluated: 2021-06-12. Review status: criteria provided, single submitter. Criteria: Invitae Variant Classification Sherloc (09022015). Collection method: clinical testing. Allele origin: germline.
Comment: In summary, the available evidence is currently insufficient to determine the role of this variant in disease. Therefore, it has been classified as a Variant of Uncertain Significance. Algorithms developed to predict the effect of missense changes on protein structure and function (SIFT, PolyPhen-2, Align-GVGD) all suggest that this variant is likely to be tolerated, but these predictions have not been confirmed by published functional studies and their clinical significance is uncertain. This variant has not been reported in the literature in individuals with SYNJ1-related conditions. This variant is present in population databases (rs561276644, ExAC 0.02%). This sequence change replaces glutamic acid with lysine at codon 1198 of the SYNJ1 protein (p.Glu1198Lys). The glutamic acid residue is moderately conserved and there is a small physicochemical difference between glutamic acid and lysine.